The following is an entry in ClinVar:

ClinVar aggregate classification (germline): Uncertain significance (1 of 4 stars; one submission).

gnomAD v4.1: 1 of 1,604,206 alleles (0.000062%); highest among the groups gnomAD compares: Admixed American, 0.0017%; no homozygotes.

Submission:

Labcorp Genetics (formerly Invitae), Labcorp
Classification: Uncertain significance. Last evaluated: 2023-08-17. Review status: criteria provided, single submitter. Criteria: Invitae Variant Classification Sherloc (09022015). Collection method: clinical testing. Allele origin: germline.
Comment: In summary, the available evidence is currently insufficient to determine the role of this variant in disease. Therefore, it has been classified as a Variant of Uncertain Significance. Variants that disrupt the consensus splice site are a relatively common cause of aberrant splicing (PMID: 17576681, 9536098). Algorithms developed to predict the effect of sequence changes on RNA splicing suggest that this variant is not likely to affect RNA splicing. This variant has not been reported in the literature in individuals affected with ITPR1-related conditions. This variant is present in population databases (no rsID available, gnomAD 0.003%). This sequence change falls in intron 43 of the ITPR1 gene. It does not directly change the encoded amino acid sequence of the ITPR1 protein. It affects a nucleotide within the consensus splice site.

Literature cited by the submitters: PubMed 17576681; PubMed 9536098.

NM_001378452.1(ITPR1):c.6180+6T>G

Gene: ITPR1 (inositol 1,4,5-trisphosphate receptor type 1; plus strand). Cytogenetic location: 3p26.1.
Variant type: single nucleotide variant.
Coding change: c.6180+6T>G on transcript NM_001378452.1 (MANE Select); 6 bases into the intron after coding-DNA position 6180, T replaced by G.
Molecular consequence: intron variant.
Genome position (GRCh38, 1-based): chr3:4,775,448, T>G. VCF-style: chr3-4775448-T-G. GRCh37 (hg19) VCF-style: chr3-4817132-T-G.
Other names: c.6036+6T>G (NM_001099952.4); c.6135+6T>G (NM_001168272.2); c.5991+6T>G (NM_002222.7).
Identifiers: ClinVar variation 2792721 (VCV002792721.3), dbSNP rs1392064174, ClinGen allele CA540817179.